The following is an entry in ClinVar:

NM_001366521.1(ATP2B1):c.2190T>G (p.Asp730Glu)

Gene: ATP2B1 (ATPase plasma membrane Ca2+ transporting 1; minus strand). Cytogenetic location: 12q21.33.
Variant type: single nucleotide variant.
Coding change: c.2190T>G on transcript NM_001366521.1 (MANE Select); coding-DNA position 2190, T replaced by G.
Protein change: p.Asp730Glu; replaces aspartic acid 730 with glutamic acid.
Molecular consequence: missense variant. On other transcripts: non-coding transcript variant (3).
Genome position (GRCh38, 1-based): chr12:89,611,250, A>C on the plus strand (T>G on the coding strand, the complement: ATP2B1 is on the minus strand). VCF-style: chr12-89611250-A-C. GRCh37 (hg19) VCF-style: chr12-90005027-A-C.
Other names: c.2190T>G, p.Asp730Glu (NM_001001323.2, NM_001366520.1, NM_001366522.1 and 12 more transcripts); c.1992T>G, p.Asp664Glu (NM_001366530.1, NM_001413053.1); c.1629T>G, p.Asp543Glu (NM_001366531.1, NM_001366532.1, NM_001413058.1 and 2 more transcripts); c.2151T>G, p.Asp717Glu (NM_001413048.1); c.2049T>G, p.Asp683Glu (NM_001413051.1, NM_001413052.1, NM_001413055.1); c.1947T>G, p.Asp649Glu (NM_001413054.1); c.1935T>G, p.Asp645Glu (NM_001413056.1); c.1737T>G, p.Asp579Glu (NM_001413057.1); short protein forms D543E, D579E, D645E, D649E, D664E, D683E, D717E, D730E.
Identifiers: ClinVar variation 3766181 (VCV003766181.1).

ClinVar aggregate classification (germline): Uncertain significance (1 of 4 stars; one submission).

Submission:

GeneDx
Classification: Uncertain significance. Last evaluated: 2024-03-28. Review status: criteria provided, single submitter. Criteria: GeneDx Variant Classification Process June 2021. Collection method: clinical testing. Allele origin: germline. Affected: yes.
Comment: Not observed at significant frequency in large population cohorts (gnomAD); In silico analysis supports that this missense variant has a deleterious effect on protein structure/function; Has not been previously published as pathogenic or benign to our knowledge